The following is an entry in ClinVar:

NM_015231.3(NUP160):c.3608T>A (p.Leu1203His)

Gene: NUP160 (nucleoporin 160; minus strand). Cytogenetic location: 11p11.2.
Variant type: single nucleotide variant.
Coding change: c.3608T>A on transcript NM_015231.3 (MANE Select); coding-DNA position 3608, T replaced by A.
Protein change: p.Leu1203His; replaces leucine 1203 with histidine.
Molecular consequence: missense variant. On other transcripts: non-coding transcript variant (1).
Genome position (GRCh38, 1-based): chr11:47,788,218, A>T on the plus strand (T>A on the coding strand, the complement: NUP160 is on the minus strand). VCF-style: chr11-47788218-A-T. GRCh37 (hg19) VCF-style: chr11-47809770-A-T.
Other names: c.3710T>A (NM_015231.1); short protein forms L1203H.
Identifiers: ClinVar variation 1394864 (VCV001394864.7), dbSNP rs199893111, ClinGen allele CA5980614.

ClinVar aggregate classification (germline): Uncertain significance. Review status: criteria provided, multiple submitters, no conflicts (2 of 4 stars). 2 submissions from 2 submitters: Uncertain significance (2). Last evaluated 2022-06-27.

Allele frequency attached by ClinVar (database versions not stated): ExAC 0.00001; gnomAD 0.00001; gnomAD exomes 0.00001; TOPMed 0.00002.
gnomAD v4.1: 13 of 1,613,846 alleles (0.00081%); highest among the groups gnomAD compares: Non-Finnish European, 0.00093%; no homozygotes.

Submissions (2):

Labcorp Genetics (formerly Invitae), Labcorp
Classification: Uncertain significance. Last evaluated: 2022-06-27. Review status: criteria provided, single submitter. Criteria: Invitae Variant Classification Sherloc (09022015). Collection method: clinical testing. Allele origin: germline.
Comment: This variant has not been reported in the literature in individuals affected with NUP160-related conditions. Algorithms developed to predict the effect of missense changes on protein structure and function are either unavailable or do not agree on the potential impact of this missense change (SIFT: "Not Available"; PolyPhen-2: "Probably Damaging"; Align-GVGD: "Not Available"). In summary, the available evidence is currently insufficient to determine the role of this variant in disease. Therefore, it has been classified as a Variant of Uncertain Significance. This sequence change replaces leucine, which is neutral and non-polar, with histidine, which is basic and polar, at codon 1237 of the NUP160 protein (p.Leu1237His). This variant is present in population databases (rs199893111, gnomAD 0.003%).

Ambry Genetics
Classification: Uncertain significance. Last evaluated: 2021-08-16. Review status: criteria provided, single submitter. Criteria: Ambry Variant Classification Scheme 2023. Collection method: clinical testing. Allele origin: germline.